The following is an entry in ClinVar:

NM_006514.4(SCN10A):c.5600T>G (p.Leu1867Arg)

Gene: SCN10A (sodium voltage-gated channel alpha subunit 10; minus strand). Cytogenetic location: 3p22.2.
Variant type: single nucleotide variant.
Coding change: c.5600T>G on transcript NM_006514.4 (MANE Select); coding-DNA position 5600, T replaced by G.
Protein change: p.Leu1867Arg; replaces leucine 1867 with arginine.
Molecular consequence: missense variant.
Genome position (GRCh38, 1-based): chr3:38,697,620, A>C on the plus strand (T>G on the coding strand, the complement: SCN10A is on the minus strand). VCF-style: chr3-38697620-A-C. GRCh37 (hg19) VCF-style: chr3-38739111-A-C.
Other names: c.5597T>G, p.Leu1866Arg (NM_001293306.2); c.5306T>G, p.Leu1769Arg (NM_001293307.2); short protein forms L1769R, L1866R, L1867R.
Identifiers: ClinVar variation 655331 (VCV000655331.10), dbSNP rs373299553, ClinGen allele CA2319643.

ClinVar aggregate classification (germline): Conflicting classifications of pathogenicity. Review status: criteria provided, conflicting classifications (1 of 4 stars). 2 submissions from 2 submitters: Uncertain significance (1); Likely benign (1). Last evaluated 2025-12-10.

Conditions:
Cardiovascular phenotype. Identifiers: MedGen CN230736.
Brugada syndrome. Also called: Sudden unexplained nocturnal death syndrome; Sudden unexpected nocturnal death syndrome; Sudden Unexplained Death Syndrome; Sudden Unexplained Nocturnal Death Syndrome (SUNDS). Identifiers: Orphanet 130, MedGen C1142166, MONDO:0015263.

Allele frequency attached by ClinVar (database versions not stated): gnomAD 0.00001; ExAC 0.00001; gnomAD exomes below 0.00001; TOPMed 0.00002; ESP Exome Variant Server 0.00008.
gnomAD v4.1: 8 of 1,614,070 alleles (0.0005%); highest among the groups gnomAD compares: Non-Finnish European, 0.00059%; no homozygotes.

Submissions (2):

Labcorp Genetics (formerly Invitae), Labcorp
Classification: Uncertain significance for Brugada syndrome. Last evaluated: 2025-12-10. Review status: criteria provided, single submitter. Criteria: Invitae Variant Classification Sherloc (09022015). Collection method: clinical testing. Allele origin: germline.
Comment: This sequence change replaces leucine, which is neutral and non-polar, with arginine, which is basic and polar, at codon 1867 of the SCN10A protein (p.Leu1867Arg). This variant is present in population databases (rs373299553, gnomAD 0.0009%). This variant has not been reported in the literature in individuals affected with SCN10A-related conditions. ClinVar contains an entry for this variant (Variation ID: 655331). Invitae Evidence Modeling of protein sequence and biophysical properties (such as structural, functional, and spatial information, amino acid conservation, physicochemical variation, residue mobility, and thermodynamic stability) indicates that this missense variant is not expected to disrupt SCN10A protein function with a negative predictive value of 80%. In summary, the available evidence is currently insufficient to determine the role of this variant in disease. Therefore, it has been classified as a Variant of Uncertain Significance.

Ambry Genetics
Classification: Likely benign for Cardiovascular phenotype. Last evaluated: 2023-02-23. Review status: criteria provided, single submitter. Criteria: Ambry Variant Classification Scheme 2023. Collection method: clinical testing. Allele origin: germline.